The following is an entry in ClinVar:

NM_001081550.2(THOC2):c.26C>T (p.Pro9Leu)

Genes: THOC2 (THO complex subunit 2; minus strand), LOC130068628 (ATAC-STARR-seq lymphoblastoid active region 29909; plus strand). Cytogenetic location: Xq25.
Variant type: single nucleotide variant.
Coding change: c.26C>T on transcript NM_001081550.2 (MANE Select); coding-DNA position 26, C replaced by T.
Protein change: p.Pro9Leu; replaces proline 9 with leucine.
Molecular consequence: missense variant.
Genome position (GRCh38, 1-based): chrX:123,732,997, G>A on the plus strand (C>T on the coding strand, the complement: THOC2 is on the minus strand). VCF-style: chrX-123732997-G-A. GRCh37 (hg19) VCF-style: chrX-122866847-G-A.
Other names: c.26C>T, p.Pro9Leu (NM_001441235.1, NM_001441236.1); short protein forms P9L.
Identifiers: ClinVar variation 4685185 (VCV004685185.1).
Genomic context (GRCh38, chrX:123,732,997, plus strand): 5'-GGCCCGAACACTCACAATTCGCCTCTCCCTGATTTCTCCCAGTTCTTTATCCACTCTGCG[G>A]GAACCACCACAGCCGCGGCCGCCATCTTCCTCTCACTAGTAGCAGAAGCCCGGATGTGTA-3'
Protein context (NP_001075019.1, residues 1-19): MAAAAVVV[Pro9Leu]AEWIKNWEKS

ClinVar aggregate classification (germline): Uncertain significance (1 of 4 stars; one submission).

gnomAD v4.1: 3 of 1,211,925 alleles (0.00025%); highest among the groups gnomAD compares: Non-Finnish European, 0.00034%; no homozygotes.

Submission:

GeneDx
Classification: Uncertain significance. Last evaluated: 2025-07-07. Review status: criteria provided, single submitter. Criteria: GeneDx Variant Classification Process June 2021. Collection method: clinical testing. Allele origin: germline. Affected: yes.
Comment: Not observed at significant frequency in large population cohorts (gnomAD); In silico analysis supports that this missense variant has a deleterious effect on protein structure/function; Has not been previously published as pathogenic or benign to our knowledge